The following is an entry in ClinVar:

NM_002354.3(EPCAM):c.859-3C>G

Gene: EPCAM (epithelial cell adhesion molecule; plus strand). Cytogenetic location: 2p21.
Variant type: single nucleotide variant.
Coding change: c.859-3C>G on transcript NM_002354.3 (MANE Select); 3 bases into the intron before coding-DNA position 859, C replaced by G.
Molecular consequence: intron variant.
Genome position (GRCh38, 1-based): chr2:47,385,163, C>G. VCF-style: chr2-47385163-C-G. GRCh37 (hg19) VCF-style: chr2-47612302-C-G.
Identifiers: ClinVar variation 216562 (VCV000216562.13), dbSNP rs201314303, ClinGen allele CA338093.

ClinVar aggregate classification (germline): Uncertain significance. Review status: criteria provided, multiple submitters, no conflicts (2 of 4 stars). 5 submissions from 5 submitters: Uncertain significance (4). 1 of the submissions does not count toward it. Last evaluated 2025-03-04.

Conditions:
EPCAM-related disorder. Also called: EPCAM-related condition.
Lynch syndrome 8 (LYNCH8). Also called: Colorectal cancer, hereditary nonpolyposis, type 8. Identifiers: Orphanet 144, MedGen C2750471, MONDO:0013196, OMIM 613244.

Allele frequency attached by ClinVar (database versions not stated): TOPMed 0.00004; ESP Exome Variant Server 0.00008; gnomAD exomes 0.00008; gnomAD 0.00017 and 0.00018.
gnomAD v4.1: 135 of 1,610,748 alleles (0.0084%); highest among the groups gnomAD compares: Non-Finnish European, 0.0051%; no homozygotes.

Submissions (6):

Center for Genomic Medicine, Rigshospitalet, Copenhagen University Hospital
Classification: Uncertain significance. Last evaluated: 2025-03-04. Review status: criteria provided, single submitter. Criteria: ACMG Guidelines, 2015. Collection method: clinical testing. Allele origin: germline.

St. Jude Molecular Pathology, St. Jude Children's Research Hospital
Classification: Uncertain significance for Lynch syndrome 8. Last evaluated: 2024-10-02. Review status: criteria provided, single submitter. Criteria: St. Jude Assertion Criteria 2020. Collection method: clinical testing. Allele origin: germline.
Comment: The EPCAM c.859-3C>G intronic change results in a C to G substitution at the -3 position of intron 7 of the EPCAM gene. Algorithms that predict the impact of sequence changes on splicing indicate that this change may impact splicing, but these predictions have not been confirmed by RNA studies. This variant has a maximum founder subpopulation frequency of 0.07% and a maximum non-founder subpopulation frequency of 0.01% in gnomAD v2.1.1. This variant has not been reported in individuals with EPCAM-related disease. In summary, the evidence currently available is insufficient to determine the clinical significance of this variant. It has therefore been classified as of uncertain significance.

Blueprint Genetics
Classification: Uncertain significance. Last evaluated: 2024-08-07. Review status: criteria provided, single submitter. Criteria: ACMG Guidelines, 2015. Collection method: clinical testing. Allele origin: germline.

Labcorp Genetics (formerly Invitae), Labcorp
Classification: Uncertain significance. Last evaluated: 2015-05-07. Review status: criteria provided, single submitter. Criteria: Invitae Variant Classification Sherloc (09022015). Collection method: clinical testing. Allele origin: germline.
Comment: In summary, this is a rare intronic change with uncertain impact on splicing. It has been classified as a Variant of Uncertain Significance. Algorithms developed to predict the effect of nucleotide changes on mRNA splicing suggest that this intronic variant may alter mRNA splicing, but this prediction has not been confirmed by published transcriptional studies. This variant has not been published in the literature and is present in population databases (rs201314303, 0.01%). This sequence change falls in intron 7 of the EPCAM mRNA. It does not directly change the encoded amino acid sequence of the EPCAM protein.

PreventionGenetics, part of Exact Sciences
Classification: Uncertain significance for EPCAM-related condition. Last evaluated: 2024-06-06. Review status: no assertion criteria provided. Collection method: clinical testing. Allele origin: germline. Not counted in ClinVar's aggregate classification.
Comment: The EPCAM c.859-3C>G variant is predicted to interfere with splicing. This variant has been reported in two healthy individuals and three individuals with hereditary breast cancer (Nikitin et al. 2020. PubMed ID: 32547938). This variant is predicted to alter a canonical acceptor splice site via a splicing prediction alogrithm (SpliceAI, Jaganathan K, et al. 2019. PubMed ID: 30661751). However, splicing prediction software is not equal to functional studies. This variant is reported in 0.072% of alleles in individuals of European (Finnish) descent in gnomAD and has been interpreted as variant of uncertain significance in the ClinVar database. At this time, the clinical significance of this variant is uncertain due to the absence of conclusive functional and genetic evidence.

Dr. Peter K. Rogan Lab, Western University
No classification provided (evidence only). Condition: Malignant tumor of urinary bladder. Review status: no classification provided. Collection method: in vitro. Allele origin: not applicable. Functional consequence: skipped exon, retained intron. Not counted in ClinVar's aggregate classification.